The following is an entry in ClinVar:

ClinVar aggregate classification (germline): Likely benign (1 of 4 stars; one submission).

Allele frequency attached by ClinVar (database versions not stated): gnomAD exomes below 0.00001.

Submission:

GeneDx
Classification: Likely benign. Last evaluated: 2017-12-01. Review status: criteria provided, single submitter. Criteria: GeneDx Variant Classification (06012015). Collection method: clinical testing. Allele origin: germline. Affected: yes.
Comment: This variant is considered likely benign or benign based on one or more of the following criteria: it is a conservative change, it occurs at a poorly conserved position in the protein, it is predicted to be benign by multiple in silico algorithms, and/or has population frequency not consistent with disease.

NM_001377299.1(NDUFS2):c.1116+19G>A

Gene: NDUFS2 (NADH:ubiquinone oxidoreductase core subunit S2; plus strand). Cytogenetic location: 1q23.3.
Variant type: single nucleotide variant.
Coding change: c.1116+19G>A on transcript NM_001377299.1 (MANE Select); 19 bases into the intron after coding-DNA position 1116, G replaced by A.
Molecular consequence: intron variant.
Genome position (GRCh38, 1-based): chr1:161,212,499, G>A. VCF-style: chr1-161212499-G-A. GRCh37 (hg19) VCF-style: chr1-161182289-G-A.
Other names: c.1116+19G>A (NM_001377300.1, NM_001377298.1, NM_001377301.1 and 3 more transcripts).
Identifiers: ClinVar variation 513165 (VCV000513165.1), dbSNP rs1553250291, ClinGen allele CA421417321.
Genomic context (GRCh38, chr1:161,212,499, plus strand): 5'-GATGATGCCAAAGTGTCTCCACCTAAGCGAGCAGAGATGAAGGTTGGCTGCAGGGAGGGG[G>A]AAAGTGTGGGGTGTTGGAAAGGGGCCAGTGGCTGGGGAGGAGTATCCTTGGATTAAATCC-3'